The following is an entry in ClinVar:

NM_014159.7(SETD2):c.1322G>A (p.Arg441Gln)

Gene: SETD2 (SET domain containing 2, histone lysine methyltransferase; minus strand). Cytogenetic location: 3p21.31.
Variant type: single nucleotide variant.
Coding change: c.1322G>A on transcript NM_014159.7 (MANE Select); coding-DNA position 1322, G replaced by A.
Protein change: p.Arg441Gln; replaces arginine 441 with glutamine.
Molecular consequence: missense variant. On other transcripts: non-coding transcript variant (1).
Genome position (GRCh38, 1-based): chr3:47,123,314, C>T on the plus strand (G>A on the coding strand, the complement: SETD2 is on the minus strand). VCF-style: chr3-47123314-C-T. GRCh37 (hg19) VCF-style: chr3-47164804-C-T.
Other names: c.1190G>A, p.Arg397Gln (NM_001349370.3); short protein forms R397Q, R441Q.
Identifiers: ClinVar variation 3604728 (VCV003604728.2).

ClinVar aggregate classification (germline): Uncertain significance (1 of 4 stars; one submission).

Conditions:
Luscan-Lumish syndrome. Identifiers: Orphanet 597738, MedGen C4085873, MONDO:0014791, OMIM 616831.

Submission:

Labcorp Genetics (formerly Invitae), Labcorp
Classification: Uncertain significance for Luscan-Lumish syndrome. Last evaluated: 2025-04-01. Review status: criteria provided, single submitter. Criteria: Invitae Variant Classification Sherloc (09022015). Collection method: clinical testing. Allele origin: germline.
Comment: This sequence change replaces arginine, which is basic and polar, with glutamine, which is neutral and polar, at codon 441 of the SETD2 protein (p.Arg441Gln). This variant is present in population databases (no rsID available, gnomAD 0.3%). This variant has not been reported in the literature in individuals affected with SETD2-related conditions. Invitae Evidence Modeling of protein sequence and biophysical properties (such as structural, functional, and spatial information, amino acid conservation, physicochemical variation, residue mobility, and thermodynamic stability) indicates that this missense variant is expected to disrupt SETD2 protein function with a positive predictive value of 80%. In summary, the available evidence is currently insufficient to determine the role of this variant in disease. Therefore, it has been classified as a Variant of Uncertain Significance.